The following is an entry in ClinVar:

NM_001621.5(AHR):c.1996C>A (p.Gln666Lys)

Gene: AHR (aryl hydrocarbon receptor; plus strand). Cytogenetic location: 7p21.1.
Variant type: single nucleotide variant.
Coding change: c.1996C>A on transcript NM_001621.5 (MANE Select); coding-DNA position 1996, C replaced by A.
Protein change: p.Gln666Lys; replaces glutamine 666 with lysine.
Molecular consequence: missense variant.
Genome position (GRCh38, 1-based): chr7:17,339,821, C>A. VCF-style: chr7-17339821-C-A. GRCh37 (hg19) VCF-style: chr7-17379445-C-A.
Other names: short protein forms Q666K.
Identifiers: ClinVar variation 1405802 (VCV001405802.3), dbSNP rs149039873, ClinGen allele CA4172217.
Genomic context (GRCh38, chr7:17,339,821, plus strand): 5'-CAAGTTAATGGCATGTTTGAAAATTGGAACTCTAACCAATTCGTGCCTTTCAATTGTCCA[C>A]AGCAAGACCCACAACAATATAATGTCTTTACAGACTTACATGGGATCAGTCAAGAGTTCC-3'
Protein context (NP_001612.1, residues 656-676): SNQFVPFNCP[Gln666Lys]QDPQQYNVFT

ClinVar aggregate classification (germline): Uncertain significance (1 of 4 stars; one submission).

Allele frequency attached by ClinVar (database versions not stated): gnomAD exomes 0.00001 and 0.00002; ExAC 0.00003; TOPMed 0.00010; gnomAD 0.00014 and 0.00015; ESP Exome Variant Server 0.00023.
gnomAD v4.1: 32 of 1,614,088 alleles (0.002%); highest among the groups gnomAD compares: African/African-American, 0.041%; no homozygotes.

Submission:

Labcorp Genetics (formerly Invitae), Labcorp
Classification: Uncertain significance. Last evaluated: 2022-07-06. Review status: criteria provided, single submitter. Criteria: Invitae Variant Classification Sherloc (09022015). Collection method: clinical testing. Allele origin: germline.
Comment: This sequence change replaces glutamine, which is neutral and polar, with lysine, which is basic and polar, at codon 666 of the AHR protein (p.Gln666Lys). This variant is present in population databases (rs149039873, gnomAD 0.03%). This variant has not been reported in the literature in individuals affected with AHR-related conditions. ClinVar contains an entry for this variant (Variation ID: 1405802). Algorithms developed to predict the effect of missense changes on protein structure and function (SIFT, PolyPhen-2, Align-GVGD) all suggest that this variant is likely to be tolerated. Experimental studies have shown that this missense change does not substantially affect AHR function (PMID: 20817071). In summary, the available evidence is currently insufficient to determine the role of this variant in disease. Therefore, it has been classified as a Variant of Uncertain Significance.

Literature cited by the submitters: PubMed 20817071.